The following is an entry in ClinVar:

ClinVar aggregate classification (germline): Uncertain significance (1 of 4 stars; one submission).

Conditions:
Cardiac arrhythmia, ankyrin-B-related. Also called: ANKYRIN-B SYNDROME. Identifiers: Orphanet 101016, Orphanet 768, MedGen C1970119, MONDO:0010958, OMIM 600919.

Submission:

Baylor Genetics
Classification: Uncertain significance for Cardiac arrhythmia, ankyrin-B-related. Last evaluated: 2018-08-27. Review status: criteria provided, single submitter. Criteria: ACMG Guidelines, 2015. Collection method: clinical testing. Allele origin: de novo. Affected: yes.
Comment: This variant was determined to be of uncertain significance according to ACMG Guidelines, 2015 [PMID:25741868].

NM_001148.6(ANK2):c.4341del (p.Asn1447_Leu1448insTer)

Gene: ANK2 (ankyrin 2; plus strand). Cytogenetic location: 4q26.
Variant type: Deletion.
Coding change: c.4341del on transcript NM_001148.6 (MANE Select); coding-DNA position 4341, one base deleted (C; older notation c.4341delC).
Protein change: p.Asn1447_Leu1448insTer.
Molecular consequence: frameshift variant.
Genome position (GRCh38, 1-based): chr4:113,345,992, C deleted. VCF-style (leftmost placement, unchanged base first): chr4-113345991-AC-A. GRCh37 (hg19) VCF-style: chr4-114267147-AC-A.
Other names: c.4314del, p.Asn1438_Leu1439insTer (NM_001127493.3); c.4353del, p.Asn1451_Leu1452insTer (NM_001354225.2); c.4242del, p.Asn1414_Leu1415insTer (NM_001354228.2, NM_001354258.2); c.4320del, p.Asn1440_Leu1441insTer (NM_001354230.2); c.4383del, p.Asn1461_Leu1462insTer (NM_001354231.2, NM_001354242.2); c.4377del, p.Asn1459_Leu1460insTer (NM_001354232.2); c.4338del, p.Asn1446_Leu1447insTer (NM_001354235.2, NM_001354246.2, NM_001354265.2); c.4239del, p.Asn1413_Leu1414insTer (NM_001354236.2); and 31 more.
Identifiers: ClinVar variation 1033337 (VCV001033337.1), dbSNP rs2094804945, ClinGen allele CA2497086973.